The following is an entry in ClinVar:

NM_012106.4(ARL2BP):c.394A>G (p.Lys132Glu)

Gene: ARL2BP (ARF like GTPase 2 binding protein; plus strand). Cytogenetic location: 16q13.
Variant type: single nucleotide variant.
Coding change: c.394A>G on transcript NM_012106.4 (MANE Select); coding-DNA position 394, A replaced by G.
Protein change: p.Lys132Glu; replaces lysine 132 with glutamic acid.
Molecular consequence: missense variant.
Genome position (GRCh38, 1-based): chr16:57,252,169, A>G. VCF-style: chr16-57252169-A-G. GRCh37 (hg19) VCF-style: chr16-57286081-A-G.
Other names: short protein forms K132E.
Identifiers: ClinVar variation 1505548 (VCV001505548.8), dbSNP rs2075410363, ClinGen allele CA396023641.

ClinVar aggregate classification (germline): Uncertain significance (1 of 4 stars; one submission).

Allele frequency attached by ClinVar (database versions not stated): gnomAD 0.00001; TOPMed 0.00001.
gnomAD v4.1: 2 of 1,613,760 alleles (0.00012%); highest among the groups gnomAD compares: African/African-American, 0.0027%; no homozygotes.

Submission:

Labcorp Genetics (formerly Invitae), Labcorp
Classification: Uncertain significance. Last evaluated: 2023-06-28. Review status: criteria provided, single submitter. Criteria: Invitae Variant Classification Sherloc (09022015). Collection method: clinical testing. Allele origin: germline.
Comment: This variant has not been reported in the literature in individuals affected with ARL2BP-related conditions. This sequence change replaces lysine, which is basic and polar, with glutamic acid, which is acidic and polar, at codon 132 of the ARL2BP protein (p.Lys132Glu). This variant is not present in population databases (gnomAD no frequency). ClinVar contains an entry for this variant (Variation ID: 1505548). An algorithm developed to predict the effect of missense changes on protein structure and function (PolyPhen-2) suggests that this variant is likely to be disruptive. In summary, the available evidence is currently insufficient to determine the role of this variant in disease. Therefore, it has been classified as a Variant of Uncertain Significance.